The following is an entry in ClinVar:

ClinVar aggregate classification (germline): Uncertain significance (1 of 4 stars; one submission).

gnomAD v4.1: 1 of 710,114 alleles (0.00014%); highest among the groups gnomAD compares: Non-Finnish European, 0.00022%; no homozygotes.

Submission:

Labcorp Genetics (formerly Invitae), Labcorp
Classification: Uncertain significance. Last evaluated: 2023-02-18. Review status: criteria provided, single submitter. Criteria: Invitae Variant Classification Sherloc (09022015). Collection method: clinical testing. Allele origin: germline.
Comment: In summary, the available evidence is currently insufficient to determine the role of this variant in disease. Therefore, it has been classified as a Variant of Uncertain Significance. Algorithms developed to predict the effect of sequence changes on RNA splicing suggest that this variant may create or strengthen a splice site. This variant has not been reported in the literature in individuals affected with KMT2C-related conditions. This variant is not present in population databases (gnomAD no frequency). This sequence change falls in intron 34 of the KMT2C gene. It does not directly change the encoded amino acid sequence of the KMT2C protein.

NM_170606.3(KMT2C):c.5082+19C>G

Gene: KMT2C (lysine methyltransferase 2C; minus strand). Cytogenetic location: 7q36.1.
Variant type: single nucleotide variant.
Coding change: c.5082+19C>G on transcript NM_170606.3 (MANE Select); 19 bases into the intron after coding-DNA position 5082, C replaced by G.
Molecular consequence: intron variant.
Genome position (GRCh38, 1-based): chr7:152,185,539, G>C on the plus strand (C>G on the coding strand, the complement: KMT2C is on the minus strand). VCF-style: chr7-152185539-G-C. GRCh37 (hg19) VCF-style: chr7-151882624-G-C.
Identifiers: ClinVar variation 2838871 (VCV002838871.3), dbSNP rs761822716, ClinGen allele CA2685724840.
Genomic context (GRCh38, chr7:152,185,539, plus strand): 5'-GTTTTTTATTAACCTAATACAAATAAGGTTCAAGCACTGTATTTAAATATTTAAAAGATA[G>C]AGGAGTTTCTTAAAATACCACATATGGTGCTCTTTCTTGTGAGCTTGCTTTTCTCCACAA-3'